The following is an entry in ClinVar:

ClinVar aggregate classification (germline): Uncertain significance. Review status: criteria provided, multiple submitters, no conflicts (2 of 4 stars). 2 submissions from 2 submitters: Uncertain significance (2). Last evaluated 2025-05-01.

Conditions:
SMAD2-related disorder. Also called: SMAD2-related disorders; SMAD2-related condition.

Allele frequency attached by ClinVar (database versions not stated): TOPMed below 0.00001; gnomAD 0.00001; gnomAD exomes 0.00002.

Submissions (2):

PreventionGenetics, part of Exact Sciences
Classification: Uncertain significance for SMAD2-related condition. Last evaluated: 2025-05-01. Review status: criteria provided, single submitter. Criteria: ACMG Guidelines, 2015. Collection method: clinical testing. Allele origin: germline.
Comment: The SMAD2 c.634C>G variant is predicted to result in the amino acid substitution p.Pro212Ala. To our knowledge, this variant has not been reported in the literature. This variant is reported in 0.012% of alleles in individuals of Latino descent in gnomAD. At this time, the clinical significance of this variant is uncertain due to the absence of conclusive functional and genetic evidence.

New York Genome Center
Classification: Uncertain significance. Last evaluated: 2021-03-22. Review status: criteria provided, single submitter. Criteria: NYGC Assertion Criteria 2020. Collection method: clinical testing. Allele origin: germline. Observed: 1 heterozygote. Study: CSER-NYCKidSeq.
Comment: The c.634C>G (p.Pro212Ala) variant in exon 5 of 11 of SMAD2 in the linker region between the conserved MH1 and MH2 domains has not been reported in affected individuals in the available literature. This variant is present in gnomADv3 at a low frequency (1/151918 heterozygote, allele frequency=6.58e-6), suggesting it is not a common benign variant in the populations represented in this database. In silico predictors suggest this variant is Damaging (Proveanscore: -3.62, SIFT score: 0.026). Given the current evidence regarding its pathogenicity, the c.634C>G (p.Pro212Ala) variant identified in the SMAD2 gene is a Variant of uncertain significance in a Gene of unknownsignificance.

NM_005901.6(SMAD2):c.634C>G (p.Pro212Ala)

Gene: SMAD2 (SMAD family member 2; minus strand). Cytogenetic location: 18q21.1.
Variant type: single nucleotide variant.
Coding change: c.634C>G on transcript NM_005901.6 (MANE Select); coding-DNA position 634, C replaced by G.
Protein change: p.Pro212Ala; replaces proline 212 with alanine.
Molecular consequence: missense variant.
Genome position (GRCh38, 1-based): chr18:47,868,344, G>C on the plus strand (C>G on the coding strand, the complement: SMAD2 is on the minus strand). VCF-style: chr18-47868344-G-C. GRCh37 (hg19) VCF-style: chr18-45394715-G-C.
Other names: c.634C>G, p.Pro212Ala (NM_001003652.4); c.544C>G, p.Pro182Ala (NM_001135937.3); short protein forms P182A, P212A.
Identifiers: ClinVar variation 1342376 (VCV001342376.2), dbSNP rs1256444049, ClinGen allele CA402501549.